The following is an entry in ClinVar:

ClinVar aggregate classification (germline): Likely benign (1 of 4 stars; one submission).

Conditions:
GRWD1-related disorder. Also called: GRWD1-related condition.

gnomAD v4.1: 19 of 1,613,820 alleles (0.0012%); highest among the groups gnomAD compares: East Asian, 0.036%; no homozygotes.

Submission:

PreventionGenetics, part of Exact Sciences
Classification: Likely benign for GRWD1-related condition. Last evaluated: 2026-07-09. Review status: criteria provided, single submitter. Criteria: ACMG Guidelines, 2015. Collection method: clinical testing. Allele origin: germline.
Comment: This variant is classified as likely benign based on ACMG/AMP sequence variant interpretation guidelines (Richards et al. 2015 PMID: 25741868, with internal and published modifications).

NM_031485.4(GRWD1):c.682+9C>T

Gene: GRWD1 (glutamate rich WD repeat containing 1; plus strand). Cytogenetic location: 19q13.33.
Variant type: single nucleotide variant.
Coding change: c.682+9C>T on transcript NM_031485.4 (MANE Select); 9 bases into the intron after coding-DNA position 682, C replaced by T.
Molecular consequence: intron variant.
Genome position (GRCh38, 1-based): chr19:48,450,535, C>T. VCF-style: chr19-48450535-C-T. GRCh37 (hg19) VCF-style: chr19-48953792-C-T.
Identifiers: ClinVar variation 4986703 (VCV004986703.1).